The following is an entry in ClinVar:

NM_025179.4(PLXNA2):c.1035G>A (p.Gln345=)

Gene: PLXNA2 (plexin A2; minus strand). Cytogenetic location: 1q32.2.
Variant type: single nucleotide variant.
Coding change: c.1035G>A on transcript NM_025179.4 (MANE Select); coding-DNA position 1035, G replaced by A.
Protein change: p.Gln345=; no amino-acid change (glutamine 345 retained).
Molecular consequence: synonymous variant.
Genome position (GRCh38, 1-based): chr1:208,216,888, C>T on the plus strand (G>A on the coding strand, the complement: PLXNA2 is on the minus strand). VCF-style: chr1-208216888-C-T. GRCh37 (hg19) VCF-style: chr1-208390233-C-T.
Identifiers: ClinVar variation 4998874 (VCV004998874.1).

ClinVar aggregate classification (germline): Likely benign (1 of 4 stars; one submission).

Conditions:
PLXNA2-related disorder. Also called: PLXNA2-related condition.

Submission:

PreventionGenetics, part of Exact Sciences
Classification: Likely benign for PLXNA2-related condition. Last evaluated: 2026-04-17. Review status: criteria provided, single submitter. Criteria: ACMG Guidelines, 2015. Collection method: clinical testing. Allele origin: germline.
Comment: This variant is classified as likely benign based on ACMG/AMP sequence variant interpretation guidelines (Richards et al. 2015 PMID: 25741868, with internal and published modifications).